The following is an entry in ClinVar:

ClinVar aggregate classification (germline): Pathogenic/Likely pathogenic. Review status: criteria provided, multiple submitters, no conflicts (2 of 4 stars). 6 submissions from 6 submitters: Pathogenic (3); Likely pathogenic (2). 1 of the submissions does not count toward it. Last evaluated 2024-04-20.

Conditions:
PRKN-related disorder. Also called: PRKN-related condition.
Lung cancer. Also called: Lung cancer, somatic; Malignant tumor of lung. Identifiers: MedGen C0242379, MONDO:0008903, OMIM 211980.
Ovarian cancer. Also called: OVARIAN CANCER, SOMATIC. Identifiers: Orphanet 213500, MedGen C1140680, MONDO:0008170, OMIM 167000.
Autosomal recessive juvenile Parkinson disease 2. Also called: PARKINSON DISEASE, JUVENILE, AUTOSOMAL RECESSIVE; Parkinson disease autosomal recessive, early onset; Juvenile parkinsonism; Parkinsonism, early onset, with diurnal fluctuation; PRKN-Related Early-Onset Parkinson Disease; Parkinson disease, juvenile, type 2. Identifiers: Orphanet 2828, MedGen C1868675, MONDO:0010820, OMIM 600116.

Allele frequency attached by ClinVar (database versions not stated): gnomAD 0.00006; TOPMed 0.00006; ExAC 0.00007; ESP Exome Variant Server 0.00008.
gnomAD v4.1: 248 of 1,613,848 alleles (0.015%); highest among the groups gnomAD compares: Non-Finnish European, 0.02%; no homozygotes.

Submissions (6):

Fulgent Genetics
Classification: Pathogenic for Ovarian cancer; Lung cancer; Autosomal recessive juvenile Parkinson disease 2. Last evaluated: 2024-04-20. Review status: criteria provided, single submitter. Criteria: ACMG Guidelines, 2015. Collection method: clinical testing. Allele origin: germline.

Labcorp Genetics (formerly Invitae), Labcorp
Classification: Pathogenic. Last evaluated: 2024-01-17. Review status: criteria provided, single submitter. Criteria: Invitae Variant Classification Sherloc (09022015). Collection method: clinical testing. Allele origin: germline.
Comment: This sequence change replaces arginine, which is basic and polar, with glutamine, which is neutral and polar, at codon 33 of the PRKN protein (p.Arg33Gln). This variant is present in population databases (rs147757966, gnomAD 0.02%). This missense change has been observed in individuals with early-onset Parkinson disease (PMID: 12730996, 16643317, 19636047). It has also been observed to segregate with disease in related individuals. This variant is also known as 199G>A. ClinVar contains an entry for this variant (Variation ID: 578186). Algorithms developed to predict the effect of missense changes on protein structure and function output the following: SIFT: "Not Available"; PolyPhen-2: "Benign"; Align-GVGD: "Not Available". The glutamine amino acid residue is found in multiple mammalian species, which suggests that this missense change does not adversely affect protein function. Experimental studies have shown that this missense change affects PRKN function (PMID: 15606901, 21348451, 21694720, 23770917, 24647965, 26631732, 27534820). For these reasons, this variant has been classified as Pathogenic.

Revvity Omics, Revvity
Classification: Likely pathogenic for Autosomal recessive juvenile Parkinson disease 2. Last evaluated: 2023-12-15. Review status: criteria provided, single submitter. Criteria: ACMG Guidelines, 2015. Collection method: clinical testing. Allele origin: germline.

AiLife Diagnostics
Classification: Likely pathogenic. Last evaluated: 2021-09-10. Review status: criteria provided, single submitter. Criteria: ACMG Guidelines, 2015. Collection method: clinical testing. Allele origin: germline. Affected: yes. Observed: 1 variant allele.

CeGaT Center for Human Genetics Tuebingen
Classification: Pathogenic. Last evaluated: 2019-05-01. Review status: criteria provided, single submitter. Criteria: CeGaT Center For Human Genetics Tuebingen Variant Classification Criteria Version 2. Collection method: clinical testing. Allele origin: germline. Affected: yes. Observed: 1 variant allele.

PreventionGenetics, part of Exact Sciences
Classification: Pathogenic for PRKN-related condition. Last evaluated: 2024-02-29. Review status: no assertion criteria provided. Collection method: clinical testing. Allele origin: germline. Not counted in ClinVar's aggregate classification.
Comment: The PRKN c.98G>A variant is predicted to result in the amino acid substitution p.Arg33Gln. This variant has been reported in the compound heterozygous state in individuals with both early- and late-onset Parkinson disease (Oliveira et al. 2003. PubMed ID: 12730996; Table e-1, Pankratz et al. 2009. PubMed ID: 19636047). Functional studies have shown that the p.Arg33Gln variant leads to lower steady-state levels of the PRKN protein (Henn et al. 2005. PubMed ID: 15606901) and reduce the ability of the Ubl domain of PRKN to become phosphorylated (Aguirre et al. 2018. PubMed ID: 29530980). Additional functional studies support the findings that the c.98G>A (p.Arg33Gln) variant impairs the function and stability of the PRKN protein (Chaugule et al. 2011. PubMed ID: 21694720; Safadi et al. 2011. PubMed ID: 21348451).This variant is reported in 0.016% of alleles in individuals of European (Non-Finnish) descent in gnomAD. Based on this evidence, this variant is interpreted as pathogenic.

Literature cited by the submitters: PubMed 12730996 (cited by Labcorp Genetics (formerly Invitae), Labcorp and AiLife Diagnostics); PubMed 16643317 (cited by Labcorp Genetics (formerly Invitae), Labcorp); PubMed 19636047 (cited by Labcorp Genetics (formerly Invitae), Labcorp); PubMed 15606901 (cited by Labcorp Genetics (formerly Invitae), Labcorp and AiLife Diagnostics); PubMed 21348451 (cited by Labcorp Genetics (formerly Invitae), Labcorp and AiLife Diagnostics); PubMed 21694720 (cited by Labcorp Genetics (formerly Invitae), Labcorp and AiLife Diagnostics); PubMed 23770917 (cited by Labcorp Genetics (formerly Invitae), Labcorp); PubMed 24647965 (cited by Labcorp Genetics (formerly Invitae), Labcorp); PubMed 26631732 (cited by Labcorp Genetics (formerly Invitae), Labcorp); PubMed 27534820 (cited by Labcorp Genetics (formerly Invitae), Labcorp); PubMed 29530980 (cited by AiLife Diagnostics); PubMed 25939424 (cited by AiLife Diagnostics); PubMed 18485927 (cited by AiLife Diagnostics); PubMed 30994895 (cited by AiLife Diagnostics).

NM_004562.3(PRKN):c.98G>A (p.Arg33Gln)

Gene: PRKN (parkin RBR E3 ubiquitin protein ligase; minus strand). Cytogenetic location: 6q26.
Variant type: single nucleotide variant.
Coding change: c.98G>A on transcript NM_004562.3 (MANE Select); coding-DNA position 98, G replaced by A.
Protein change: p.Arg33Gln; replaces arginine 33 with glutamine.
Molecular consequence: missense variant.
Genome position (GRCh38, 1-based): chr6:162,443,383, C>T on the plus strand (G>A on the coding strand, the complement: PRKN is on the minus strand). VCF-style: chr6-162443383-C-T. GRCh37 (hg19) VCF-style: chr6-162864415-C-T.
Other names: c.98G>A, p.Arg33Gln (NM_013987.3, NM_013988.3); short protein forms R33Q.
Identifiers: ClinVar variation 578186 (VCV000578186.54), dbSNP rs147757966, ClinGen allele CA4090515.